The following is an entry in ClinVar:

NM_000245.4(MET):c.1535A>C (p.Lys512Thr)

Gene: MET (MET proto-oncogene, receptor tyrosine kinase; plus strand). Cytogenetic location: 7q31.2.
Variant type: single nucleotide variant.
Coding change: c.1535A>C on transcript NM_000245.4 (MANE Select); coding-DNA position 1535, A replaced by C.
Protein change: p.Lys512Thr; replaces lysine 512 with threonine.
Molecular consequence: missense variant.
Genome position (GRCh38, 1-based): chr7:116,740,859, A>C. VCF-style: chr7-116740859-A-C. GRCh37 (hg19) VCF-style: chr7-116380913-A-C.
Other names: c.1535A>C, p.Lys512Thr (NM_001127500.3, NM_001324401.3); c.245A>C, p.Lys82Thr (NM_001324402.2); short protein forms K512T, K82T.
Identifiers: ClinVar variation 1382275 (VCV001382275.11), dbSNP rs1793417875, ClinGen allele CA368974925.

ClinVar aggregate classification (germline): Uncertain significance. Review status: criteria provided, multiple submitters, no conflicts (2 of 4 stars). 2 submissions from 2 submitters: Uncertain significance (2). Last evaluated 2025-03-12.

Conditions:
Hereditary cancer-predisposing syndrome. Also called: Tumor predisposition; Neoplastic Syndromes, Hereditary; Hereditary Cancer Syndrome; Hereditary neoplastic syndrome. Identifiers: Orphanet 140162, MedGen C0027672, MeSH D009386, MONDO:0015356.
Renal cell carcinoma. Identifiers: Orphanet 217071, MedGen C0007134, MeSH D002292, MONDO:0005086, HP:0005584.

gnomAD v4.1: 1 of 1,614,092 alleles (0.000062%); highest among the groups gnomAD compares: African/African-American, 0.0013%; no homozygotes.

Submissions (2):

Ambry Genetics
Classification: Uncertain significance for Hereditary cancer-predisposing syndrome. Last evaluated: 2025-03-12. Review status: criteria provided, single submitter. Criteria: Ambry Variant Classification Scheme 2023. Collection method: clinical testing. Allele origin: germline.
Comment: The p.K512T variant (also known as c.1535A>C), located in coding exon 4 of the MET gene, results from an A to C substitution at nucleotide position 1535. The lysine at codon 512 is replaced by threonine, an amino acid with similar properties. This amino acid position is well conserved in available vertebrate species. In addition, the in silico prediction for this alteration is inconclusive. Based on the available evidence, the clinical significance of this variant remains unclear.

Labcorp Genetics (formerly Invitae), Labcorp
Classification: Uncertain significance for Renal cell carcinoma. Last evaluated: 2024-10-26. Review status: criteria provided, single submitter. Criteria: Invitae Variant Classification Sherloc (09022015). Collection method: clinical testing. Allele origin: germline.
Comment: This sequence change replaces lysine, which is basic and polar, with threonine, which is neutral and polar, at codon 512 of the MET protein (p.Lys512Thr). This variant is not present in population databases (gnomAD no frequency). This variant has not been reported in the literature in individuals affected with MET-related conditions. ClinVar contains an entry for this variant (Variation ID: 1382275). Invitae Evidence Modeling of protein sequence and biophysical properties (such as structural, functional, and spatial information, amino acid conservation, physicochemical variation, residue mobility, and thermodynamic stability) has been performed for this missense variant. However, the output from this modeling did not meet the statistical confidence thresholds required to predict the impact of this variant on MET protein function. In summary, the available evidence is currently insufficient to determine the role of this variant in disease. Therefore, it has been classified as a Variant of Uncertain Significance.